The following is an entry in ClinVar:

ClinVar aggregate classification (germline): Uncertain significance. Review status: criteria provided, multiple submitters, no conflicts (2 of 4 stars). 4 submissions from 4 submitters: Uncertain significance (4). Last evaluated 2025-09-17.

Conditions:
Atrioventricular septal defect 4 (AVSD4). Identifiers: MedGen C3280781, MONDO:0013747, OMIM 614430.
Cardiovascular phenotype. Identifiers: MedGen CN230736.

Allele frequency attached by ClinVar (database versions not stated): TOPMed below 0.00001; gnomAD exomes 0.00001; ExAC 0.00015.
gnomAD v4.1: 11 of 1,482,620 alleles (0.00074%); highest among the groups gnomAD compares: East Asian, 0.011%; no homozygotes.

Submissions (4):

Labcorp Genetics (formerly Invitae), Labcorp
Classification: Uncertain significance for Atrioventricular septal defect 4. Last evaluated: 2025-09-17. Review status: criteria provided, single submitter. Criteria: Invitae Variant Classification Sherloc (09022015). Collection method: clinical testing. Allele origin: germline.
Comment: This sequence change replaces alanine, which is neutral and non-polar, with threonine, which is neutral and polar, at codon 167 of the GATA4 protein (p.Ala167Thr). The frequency data for this variant in the population databases is considered unreliable, as metrics indicate poor data quality at this position in the gnomAD database. This variant has not been reported in the literature in individuals affected with GATA4-related conditions. ClinVar contains an entry for this variant (Variation ID: 2160791). Invitae Evidence Modeling of protein sequence and biophysical properties (such as structural, functional, and spatial information, amino acid conservation, physicochemical variation, residue mobility, and thermodynamic stability) indicates that this missense variant is not expected to disrupt GATA4 protein function with a negative predictive value of 95%. In summary, the available evidence is currently insufficient to determine the role of this variant in disease. Therefore, it has been classified as a Variant of Uncertain Significance.

Revvity Omics, Revvity
Classification: Uncertain significance. Last evaluated: 2025-03-26. Review status: criteria provided, single submitter. Criteria: ACMG Guidelines, 2015. Collection method: clinical testing. Allele origin: germline.

GeneDx
Classification: Uncertain significance. Last evaluated: 2024-11-25. Review status: criteria provided, single submitter. Criteria: GeneDx Variant Classification Process June 2021. Collection method: clinical testing. Allele origin: germline. Affected: yes.
Comment: Has not been previously published as pathogenic or benign to our knowledge; In silico analysis indicates that this missense variant does not alter protein structure/function

Ambry Genetics
Classification: Uncertain significance for Cardiovascular phenotype. Last evaluated: 2024-08-25. Review status: criteria provided, single submitter. Criteria: Ambry Variant Classification Scheme 2023. Collection method: clinical testing. Allele origin: germline.
Comment: The p.A167T variant (also known as c.499G>A), located in coding exon 1 of the GATA4 gene, results from a G to A substitution at nucleotide position 499. The alanine at codon 167 is replaced by threonine, an amino acid with similar properties. This amino acid position is conserved. In addition, this alteration is predicted to be tolerated by in silico analysis. Based on the available evidence, the clinical significance of this variant remains unclear.

NM_001308093.3(GATA4):c.499G>A (p.Ala167Thr)

Gene: GATA4 (GATA binding protein 4). Cytogenetic location: 8p23.1.
Variant type: single nucleotide variant.
Coding change: c.499G>A on transcript NM_001308093.3 (MANE Select); coding-DNA position 499, G replaced by A.
Protein change: p.Ala167Thr; replaces alanine 167 with threonine.
Molecular consequence: missense variant. On other transcripts: intron variant (3).
Genome position (GRCh38, 1-based): chr8:11,708,811, G>A. VCF-style: chr8-11708811-G-A. GRCh37 (hg19) VCF-style: chr8-11566320-G-A.
Other names: c.499G>A (NM_002052.3); c.499G>A, p.Ala167Thr (NM_002052.5); c.-6+8033G>A (NM_001308094.2); c.-3+797G>A (NM_001374274.1); c.-3+4507G>A (NM_001374273.1); short protein forms A167T.
Identifiers: ClinVar variation 2160791 (VCV002160791.8), dbSNP rs765273410, ClinGen allele CA4630628.